The following is an entry in ClinVar:

ClinVar aggregate classification (germline): Uncertain significance (1 of 4 stars; one submission).

Conditions:
Adenylosuccinate lyase deficiency (ADSLD). Also called: ADSL DEFICIENCY. Identifiers: Orphanet 46, MedGen C0268126, MONDO:0007068, OMIM 103050.

Allele frequency attached by ClinVar (database versions not stated): gnomAD 0.00001; 1000 Genomes Project 0.00020; 1000 Genomes Project 30x 0.00031.

Submission:

Labcorp Genetics (formerly Invitae), Labcorp
Classification: Uncertain significance for Adenylosuccinate lyase deficiency. Last evaluated: 2022-01-13. Review status: criteria provided, single submitter. Criteria: Invitae Variant Classification Sherloc (09022015). Collection method: clinical testing. Allele origin: germline.
Comment: This variant is not present in population databases (gnomAD no frequency). In summary, the available evidence is currently insufficient to determine the role of this variant in disease. Therefore, it has been classified as a Variant of Uncertain Significance. Experimental studies and prediction algorithms are not available or were not evaluated, and the functional significance of this variant is currently unknown. This variant has not been reported in the literature in individuals affected with ADSL-related conditions. This variant occurs in a non-coding region of the ADSL gene. It does not change the encoded amino acid sequence of the ADSL protein.

NC_000022.11:g.40345697C>T

Gene: ADSL (adenylosuccinate lyase; plus strand). Cytogenetic location: 22q13.1.
Variant type: single nucleotide variant.
Genome position: GRCh38 VCF-style: chr22-40345697-C-T. GRCh37 (hg19) VCF-style: chr22-40741701-C-T.
Identifiers: ClinVar variation 1367744 (VCV001367744.6), dbSNP rs547176744, ClinGen allele CA324446371.